The following is an entry in ClinVar:

ClinVar aggregate classification (germline): Uncertain significance. Review status: criteria provided, multiple submitters, no conflicts (2 of 4 stars). 2 submissions from 2 submitters: Uncertain significance (2). Last evaluated 2022-07-06.

Conditions:
Inborn genetic diseases. Identifiers: MedGen C0950123, MeSH D030342.

Allele frequency attached by ClinVar (database versions not stated): gnomAD 0.00001; ExAC 0.00002.

Submissions (2):

Ambry Genetics
Classification: Uncertain significance for Inborn genetic diseases. Last evaluated: 2022-07-06. Review status: criteria provided, single submitter. Criteria: Ambry Variant Classification Scheme 2023. Collection method: clinical testing. Allele origin: germline.

Labcorp Genetics (formerly Invitae), Labcorp
Classification: Uncertain significance. Last evaluated: 2022-06-10. Review status: criteria provided, single submitter. Criteria: Invitae Variant Classification Sherloc (09022015). Collection method: clinical testing. Allele origin: germline.
Comment: This sequence change replaces proline, which is neutral and non-polar, with threonine, which is neutral and polar, at codon 171 of the SLC25A19 protein (p.Pro171Thr). This variant is present in population databases (rs770376232, gnomAD 0.003%). This variant has not been reported in the literature in individuals affected with SLC25A19-related conditions. Algorithms developed to predict the effect of missense changes on protein structure and function (SIFT, PolyPhen-2, Align-GVGD) all suggest that this variant is likely to be tolerated. In summary, the available evidence is currently insufficient to determine the role of this variant in disease. Therefore, it has been classified as a Variant of Uncertain Significance.

NM_001126121.2(SLC25A19):c.511C>A (p.Pro171Thr)

Gene: SLC25A19 (solute carrier family 25 member 19; minus strand). Cytogenetic location: 17q25.1.
Variant type: single nucleotide variant.
Coding change: c.511C>A on transcript NM_001126121.2 (MANE Select); coding-DNA position 511, C replaced by A.
Protein change: p.Pro171Thr; replaces proline 171 with threonine.
Molecular consequence: missense variant.
Genome position (GRCh38, 1-based): chr17:75,278,284, G>T on the plus strand (C>A on the coding strand, the complement: SLC25A19 is on the minus strand). VCF-style: chr17-75278284-G-T. GRCh37 (hg19) VCF-style: chr17-73274365-G-T.
Other names: c.511C>A, p.Pro171Thr (NM_001126122.2, NM_021734.5); short protein forms P171T.
Identifiers: ClinVar variation 1934251 (VCV001934251.6), dbSNP rs770376232, ClinGen allele CA8760966.